The following is an entry in ClinVar:

NM_201384.3(PLEC):c.10633G>A (p.Gly3545Arg)

Gene: PLEC (plectin; minus strand). Cytogenetic location: 8q24.3.
Variant type: single nucleotide variant.
Coding change: c.10633G>A on transcript NM_201384.3 (MANE Select); coding-DNA position 10633, G replaced by A.
Protein change: p.Gly3545Arg; replaces glycine 3545 with arginine.
Molecular consequence: missense variant.
Genome position (GRCh38, 1-based): chr8:143,919,188, C>T on the plus strand (G>A on the coding strand, the complement: PLEC is on the minus strand). VCF-style: chr8-143919188-C-T. GRCh37 (hg19) VCF-style: chr8-144993356-C-T.
Other names: c.10567G>A, p.Gly3523Arg (NM_201379.3); c.11044G>A, p.Gly3682Arg (NM_201380.4); c.10537G>A, p.Gly3513Arg (NM_201381.3); c.10633G>A, p.Gly3545Arg (NM_201382.4); c.10645G>A, p.Gly3549Arg (NM_201383.3); c.10714G>A, p.Gly3572Arg (NM_000445.5); c.7333G>A, p.Gly2445Arg (NM_001410941.1); c.10591G>A, p.Gly3531Arg (NM_201378.4); short protein forms G2445R, G3513R, G3523R, G3531R, G3545R, G3549R, G3572R, G3682R.
Identifiers: ClinVar variation 3754853 (VCV003754853.2).
Genomic context (GRCh38, chr8:143,919,188, plus strand): 5'-TTCTTGTCTCCTCCTCAGTGTACACCTGCGTGGTCTCCACCACCTCAGCCTTCTCCGCCC[C>T]TTTCAGTGGCAGAAGGCGCAAGCCCGTCTCGGGGTCCTCCACGCACCGCTCCAGCAGCTG-3'
Protein context (NP_958786.1, residues 3535-3555): ETGLRLLPLK[Gly3545Arg]AEKAEVVETT

ClinVar aggregate classification (germline): Uncertain significance (1 of 4 stars; one submission).

Conditions:
Epidermolysis bullosa simplex with nail dystrophy (EBS5D). Identifiers: MedGen C4225309, MONDO:0014661, OMIM 616487.
Epidermolysis bullosa simplex, Ogna type (EBS5A). Also called: Pidermolysis bullosa simplex 5A, Ogna type; EPIDERMOLYSIS BULLOSA SIMPLEX 5A, OGNA TYPE. Identifiers: Orphanet 79401, MedGen C0432317, MONDO:0007555, OMIM 131950.
Autosomal recessive limb-girdle muscular dystrophy type 2Q (LGMDR17). Also called: MUSCULAR DYSTROPHY, LIMB-GIRDLE, AUTOSOMAL RECESSIVE 17. Identifiers: Orphanet 254361, MedGen C3150989, MONDO:0013390, OMIM 613723.
Epidermolysis bullosa simplex 5B, with muscular dystrophy (EBS5B). Also called: EPIDERMOLYSIS BULLOSA SIMPLEX AND LIMB-GIRDLE MUSCULAR DYSTROPHY; Epidermolysis bullosa simplex with muscular dystrophy. Identifiers: Orphanet 257, MedGen C2931072, MONDO:0009181, OMIM 226670.
Epidermolysis bullosa simplex 5C, with pyloric atresia (EBS5C). Also called: PLEC-Related Epidermolysis Bullosa with Pyloric Atresia; Epidermolysis bullosa simplex with pyloric atresia; PLEC1-Related Epidermolysis Bullosa with Pyloric Atresia. Identifiers: Orphanet 158684, MedGen C2677349, MONDO:0012807, OMIM 612138.

gnomAD v4.1: 4 of 1,613,764 alleles (0.00025%); highest among the groups gnomAD compares: African/African-American, 0.004%; no homozygotes.

Submission:

Labcorp Genetics (formerly Invitae), Labcorp
Classification: Uncertain significance for Autosomal recessive limb-girdle muscular dystrophy type 2Q; Epidermolysis bullosa simplex, Ogna type; Epidermolysis bullosa simplex with nail dystrophy; Epidermolysis bullosa simplex 5C, with pyloric atresia; Epidermolysis bullosa simplex 5B, with muscular dystrophy. Last evaluated: 2024-03-27. Review status: criteria provided, single submitter. Criteria: Invitae Variant Classification Sherloc (09022015). Collection method: clinical testing. Allele origin: germline.
Comment: This sequence change replaces glycine, which is neutral and non-polar, with arginine, which is basic and polar, at codon 3572 of the PLEC protein (p.Gly3572Arg). This variant is present in population databases (no rsID available, gnomAD 0.005%). This variant has not been reported in the literature in individuals affected with PLEC-related conditions. An algorithm developed to predict the effect of missense changes on protein structure and function (PolyPhen-2) suggests that this variant is likely to be disruptive. In summary, the available evidence is currently insufficient to determine the role of this variant in disease. Therefore, it has been classified as a Variant of Uncertain Significance.